The following is an entry in ClinVar:

NM_000260.4(MYO7A):c.1690+1G>A

Gene: MYO7A (myosin VIIA; plus strand). Cytogenetic location: 11q13.5.
Variant type: single nucleotide variant.
Coding change: c.1690+1G>A on transcript NM_000260.4 (MANE Select); the canonical splice donor site of the intron after coding-DNA position 1690, G replaced by A.
Molecular consequence: splice donor variant.
Genome position (GRCh38, 1-based): chr11:77,162,989, G>A. VCF-style: chr11-77162989-G-A. GRCh37 (hg19) VCF-style: chr11-76874035-G-A.
Other names: c.1657+1G>A (NM_001369365.1); c.1690+1G>A (NM_001127180.2).
Identifiers: ClinVar variation 43155 (VCV000043155.16), dbSNP rs111033389, ClinGen allele CA278631.

ClinVar aggregate classification (germline): Pathogenic/Likely pathogenic. Review status: criteria provided, multiple submitters, no conflicts (2 of 4 stars). 3 submissions from 3 submitters: Pathogenic (2); Likely pathogenic (1). Last evaluated 2024-08-09.

Conditions:
MYO7A-related disorder. Also called: MYO7A-related disorders.
Rare genetic deafness. Identifiers: Orphanet 96210, MedGen C5680250.

Allele frequency attached by ClinVar (database versions not stated): gnomAD exomes below 0.00001.
gnomAD v4.1: 1 of 1,613,682 alleles (0.000062%); highest among the groups gnomAD compares: African/African-American, 0.0013%; no homozygotes.

Submissions (3):

Blueprint Genetics
Classification: Pathogenic for MYO7A-related disorders. Last evaluated: 2024-08-09. Review status: criteria provided, single submitter. Criteria: ACMG Guidelines, 2015. Collection method: clinical testing. Allele origin: germline. Affected: yes. Observed: 1 variant allele.

Labcorp Genetics (formerly Invitae), Labcorp
Classification: Pathogenic. Last evaluated: 2023-01-05. Review status: criteria provided, single submitter. Criteria: Invitae Variant Classification Sherloc (09022015). Collection method: clinical testing. Allele origin: germline.
Comment: For these reasons, this variant has been classified as Pathogenic. Algorithms developed to predict the effect of sequence changes on RNA splicing suggest that this variant may disrupt the consensus splice site. ClinVar contains an entry for this variant (Variation ID: 43155). Disruption of this splice site has been observed in individual(s) with Usher syndrome (PMID: 21569298). This variant is not present in population databases (gnomAD no frequency). This sequence change affects a donor splice site in intron 14 of the MYO7A gene. It is expected to disrupt RNA splicing. Variants that disrupt the donor or acceptor splice site typically lead to a loss of protein function (PMID: 16199547), and loss-of-function variants in MYO7A are known to be pathogenic (PMID: 8900236, 25404053).

Laboratory for Molecular Medicine, Mass General Brigham Personalized Medicine
Classification: Likely pathogenic for Rare genetic deafness. Last evaluated: 2008-04-09. Review status: criteria provided, single submitter. Criteria: LMM Criteria. Collection method: clinical testing. Allele origin: germline. Observed: 1 variant allele.

Literature cited by the submitters: PubMed 21569298 (cited by Labcorp Genetics (formerly Invitae), Labcorp); PubMed 16199547 (cited by Labcorp Genetics (formerly Invitae), Labcorp); PubMed 8900236 (cited by Labcorp Genetics (formerly Invitae), Labcorp); PubMed 25404053 (cited by Labcorp Genetics (formerly Invitae), Labcorp).